The following is an entry in ClinVar:

NM_000260.4(MYO7A):c.2507_2508del (p.Arg836fs)

Gene: MYO7A (myosin VIIA; plus strand). Cytogenetic location: 11q13.5.
Variant type: Deletion.
Coding change: c.2507_2508del on transcript NM_000260.4 (MANE Select); coding-DNA positions 2507 to 2508, 2 bases deleted (GC; older notation c.2507_2508delGC).
Protein change: p.Arg836fs; shifts the reading frame from arginine 836.
Molecular consequence: frameshift variant.
Genome position (GRCh38, 1-based): chr11:77,179,874-77,179,875, GC deleted; deleting any 2 consecutive bases within chr11:77,179,873-77,179,875 gives the same sequence; the c. name uses the placement nearest the transcript's 3' end. VCF-style (leftmost placement, unchanged base first): chr11-77179872-CCG-C. GRCh37 (hg19) VCF-style: chr11-76890918-CCG-C.
Other names: c.2507_2508del, p.Arg836fs (NM_001127180.2); c.2474_2475del, p.Arg825fs (NM_001369365.1); short protein forms R825fs, R836fs.
Identifiers: ClinVar variation 3031614 (VCV003031614.2), dbSNP rs2497176999, ClinGen allele CA2740093144.

ClinVar aggregate classification (germline): Likely pathogenic (0 of 4 stars; one submission).

Conditions:
MYO7A-related disorder. Also called: MYO7A-related disorders.

Submission:

PreventionGenetics, part of Exact Sciences
Classification: Likely pathogenic for MYO7A-related condition. Last evaluated: 2023-11-17. Review status: no assertion criteria provided. Collection method: clinical testing. Allele origin: germline.
Comment: The MYO7A c.2507_2508delGC variant is predicted to result in a frameshift and premature protein termination (p.Arg836Profs*26). To our knowledge, this variant has not been reported in the literature or in a large population database, indicating this variant is rare. Frameshift variants in MYO7A are expected to be pathogenic. This variant is interpreted as likely pathogenic.